The following is an entry in ClinVar:

ClinVar aggregate classification (germline): Uncertain significance (1 of 4 stars; one submission).

Submission:

Labcorp Genetics (formerly Invitae), Labcorp
Classification: Uncertain significance. Last evaluated: 2023-10-16. Review status: criteria provided, single submitter. Criteria: Invitae Variant Classification Sherloc (09022015). Collection method: clinical testing. Allele origin: unknown.
Comment: This variant results in a copy number gain of the genomic region encompassing exon(s) 1 of the BNC2 gene. This region includes the initiator codon of the gene. This copy number gain extends beyond the assayed region for this gene and therefore may encompass additional genes. As the precise location of this event is unknown, it may be in tandem or it may be located elsewhere in the genome. This variant has not been reported in the literature in individuals affected with BNC2-related conditions. Experimental studies and prediction algorithms are not available or were not evaluated, and the functional significance of this variant is currently unknown. In summary, the available evidence is currently insufficient to determine the role of this variant in disease. Therefore, it has been classified as a Variant of Uncertain Significance.

NC_000009.11:g.(?_16870624)_(16870646_?)dup

Gene: BNC2 (basonuclin zinc finger protein 2; minus strand). Cytogenetic location: 9p22.2.
Variant type: Duplication.
Identifiers: ClinVar variation 3245355 (VCV003245355.1).